The following is an entry in ClinVar:

NM_000419.5(ITGA2B):c.2965del (p.Ala989fs)

Gene: ITGA2B (integrin subunit alpha 2b; minus strand). Cytogenetic location: 17q21.31.
Variant type: Deletion.
Coding change: c.2965del on transcript NM_000419.5 (MANE Select); coding-DNA position 2965, one base deleted (G; older notation c.2965delG).
Protein change: p.Ala989fs; shifts the reading frame from alanine 989.
Molecular consequence: frameshift variant.
Genome position (GRCh38, 1-based): chr17:44,374,449, C deleted on the plus strand (G on the coding strand, the reverse complement: ITGA2B is on the minus strand); the first of 3 consecutive C bases (chr17:44,374,449-44,374,451); deleting any one gives the same sequence. VCF-style (leftmost placement, unchanged base first): chr17-44374448-GC-G. GRCh37 (hg19) VCF-style: chr17-42451816-GC-G.
Other names: NM_000419.5(ITGA2B):c.2965del; p.Ala989fs; c.2965delG (NM_000419.5); short protein forms A989fs.
Identifiers: ClinVar variation 953057 (VCV000953057.7), dbSNP rs2048521625, ClinGen allele CA913189248.

ClinVar aggregate classification (germline): Pathogenic. Review status: reviewed by expert panel (3 of 4 stars). 2 submissions from 2 submitters: Pathogenic (1). 1 of the submissions does not count toward it. Last evaluated 2024-05-02.

Conditions:
Glanzmann thrombasthenia 1 (GT1). Also called: BLEEDING DISORDER, PLATELET-TYPE, 2; GP IIb-IIIa COMPLEX DEFICIENCY; GLYCOPROTEIN COMPLEX IIb-IIIa DEFICIENCY; PLATELET FIBRINOGEN RECEPTOR DEFICIENCY. Identifiers: MedGen CN300358, MONDO:0031332, OMIM 273800.
Glanzmann thrombasthenia. Also called: THROMBASTHENIA OF GLANZMANN AND NAEGELI; Thrombasthenia; Glanzmann's thrombasthenia; PLATELET GLYCOPROTEIN IIb-IIIa DEFICIENCY. Identifiers: Orphanet 849, MedGen C0040015, MONDO:0100326.

Submissions (2):

ClinGen Platelet Disorders Variant Curation Expert Panel, ClinGen
Classification: Pathogenic for Glanzmann thrombasthenia. Last evaluated: 2024-05-02. Review status: reviewed by expert panel. Criteria: ClinGen Platelet ACMG Specifications v2-1. Collection method: curation. Allele origin: germline. Inheritance: Autosomal recessive inheritance.
Comment: The NM_000419.5(ITGA2B):c.2965del (p.Ala989Profs) variant has been described in at least three patients with phenotypes highly specific to GT including mucocutaneous bleeding, impaired aggregation with all agonists except ristocetin, and reduced surface expression of αIIbβ3 (PMIDs: 25539746, 28983057; PP4_moderate). It was reported twice in the homozygous state (PMIDs: 25539746, 28983057) and once in a compound heterozygote (PMID: 28983057) with Val982Met (classified as Pathogenic by the ClinGen Platelet Disorders VCEP) (PM3_strong). This frameshift variant occurs in exon 28 and results in 51 altered amino acids followed by as stop loss and the elongation of the protein by 90 amino acids, which alters the entirety of the transmembrane domain which is critical to protein function (PMID: 25617834) as well as the cytoplasmic domain (PVS1_Strong). The variant is absent from population databases including gnomADv2.1.1 (PM2_supporting). In summary, this variant meets criteria to be classified as likely pathogenic for GT. GT-specific criteria applied: PM2_supporting, PVS1_strong, PM3_strong, PP4_moderate. (PD-VCEP specifications v2.1)

ISTH-SSC Genomics in Thrombosis and Hemostasis, KU Leuven, Center for Molecular and Vascular Biology
Classification: Pathogenic for Glanzmann thrombasthenia 1. Review status: criteria provided, single submitter. Criteria: ACMG Guidelines, 2015. Collection method: clinical testing. Allele origin: germline. Affected: yes. Observed: 1 compound heterozygote, 2 homozygotes, 1 hemizygote. Clinical features observed: Impaired platelet aggregation with all agonists except ristocetin, Absent expression of GPIIb/IIIa by flow cytometry, Impaired platelet aggregation. Not counted in ClinVar's aggregate classification.
Comment: Submitted to GoldVariant by Jose María Bastida and José Rivera; Grupo Español de Alteraciones Plaquetarias Congénitas (GEAPC)

Literature cited by the submitters: PubMed 15099289 (cited by ISTH-SSC Genomics in Thrombosis and Hemostasis, KU Leuven, Center for Molecular and Vascular Biology).